The following is an entry in ClinVar:

NM_001130144.3(LTBP3):c.3154G>A (p.Glu1052Lys)

Genes: LTBP3 (latent transforming growth factor beta binding protein 3; minus strand), LOC121832793 (Sharpr-MPRA regulatory region 4001; plus strand). Cytogenetic location: 11q13.1.
Variant type: single nucleotide variant.
Coding change: c.3154G>A on transcript NM_001130144.3 (MANE Select); coding-DNA position 3154, G replaced by A.
Protein change: p.Glu1052Lys; replaces glutamic acid 1052 with lysine.
Molecular consequence: missense variant.
Genome position (GRCh38, 1-based): chr11:65,540,335, C>T on the plus strand (G>A on the coding strand, the complement: LTBP3 is on the minus strand). VCF-style: chr11-65540335-C-T. GRCh37 (hg19) VCF-style: chr11-65307806-C-T.
Other names: c.2803G>A, p.Glu935Lys (NM_001164266.1); c.3154G>A, p.Glu1052Lys (NM_021070.4); short protein forms E1052K, E935K.
Identifiers: ClinVar variation 1719691 (VCV001719691.6), dbSNP rs2496122154, ClinGen allele CA381267525.

ClinVar aggregate classification (germline): Uncertain significance (1 of 4 stars; one submission).

Conditions:
Brachyolmia-amelogenesis imperfecta syndrome. Also called: PLATYSPONDYLY WITH AMELOGENESIS IMPERFECTA; Tooth agenesis, selective, 6; Dental anomalies and short stature. Identifiers: Orphanet 2899, MedGen C1832594, MONDO:0011018, OMIM 601216. Disease mechanism: loss of function.

Submission:

Labcorp Genetics (formerly Invitae), Labcorp
Classification: Uncertain significance for Brachyolmia-amelogenesis imperfecta syndrome. Last evaluated: 2022-11-01. Review status: criteria provided, single submitter. Criteria: Invitae Variant Classification Sherloc (09022015). Collection method: clinical testing. Allele origin: germline.
Comment: This sequence change replaces glutamic acid, which is acidic and polar, with lysine, which is basic and polar, at codon 1052 of the LTBP3 protein (p.Glu1052Lys). In summary, the available evidence is currently insufficient to determine the role of this variant in disease. Therefore, it has been classified as a Variant of Uncertain Significance. Algorithms developed to predict the effect of missense changes on protein structure and function are either unavailable or do not agree on the potential impact of this missense change (SIFT: "Tolerated"; PolyPhen-2: "Possibly Damaging"; Align-GVGD: "Class C0"). This variant has not been reported in the literature in individuals affected with LTBP3-related conditions. This variant is not present in population databases (gnomAD no frequency).